The following is an entry in ClinVar:

NM_006324.3(CFDP1):c.642C>T (p.Ala214=)

Gene: CFDP1 (craniofacial development protein 1; minus strand). Cytogenetic location: 16q23.1.
Variant type: single nucleotide variant.
Coding change: c.642C>T on transcript NM_006324.3 (MANE Select); coding-DNA position 642, C replaced by T.
Protein change: p.Ala214=; no amino-acid change (alanine 214 retained).
Molecular consequence: synonymous variant.
Genome position (GRCh38, 1-based): chr16:75,395,098, G>A on the plus strand (C>T on the coding strand, the complement: CFDP1 is on the minus strand). VCF-style: chr16-75395098-G-A. GRCh37 (hg19) VCF-style: chr16-75428996-G-A.
Identifiers: ClinVar variation 3046059 (VCV003046059.2), dbSNP rs371488344, ClinGen allele CA8174772.

ClinVar aggregate classification (germline): Likely benign (0 of 4 stars; one submission).

Conditions:
CFDP1-related disorder. Also called: CFDP1-related condition.

Allele frequency attached by ClinVar (database versions not stated): ESP Exome Variant Server 0.00008; gnomAD 0.00009; TOPMed 0.00010; ExAC 0.00013; 1000 Genomes Project 0.00020; 1000 Genomes Project 30x 0.00031.
gnomAD v4.1: 269 of 1,613,648 alleles (0.017%); highest among the groups gnomAD compares: Admixed American, 0.053%; 1 homozygote.

Submission:

PreventionGenetics, part of Exact Sciences
Classification: Likely benign for CFDP1-related condition. Last evaluated: 2019-10-28. Review status: no assertion criteria provided. Collection method: clinical testing. Allele origin: germline.
Comment: This variant is classified as likely benign based on ACMG/AMP sequence variant interpretation guidelines (Richards et al. 2015 PMID: 25741868, with internal and published modifications).